The following is an entry in ClinVar:

ClinVar aggregate classification (germline): Likely benign. Review status: criteria provided, multiple submitters, no conflicts (2 of 4 stars). 2 submissions from 2 submitters: Likely benign (2). Last evaluated 2024-10-20.

Conditions:
ROBO1-related disorder. Also called: ROBO1-related condition.

gnomAD v4.1: 205 of 1,613,284 alleles (0.013%); highest among the groups gnomAD compares: East Asian, 0.44%; 1 homozygote.

Submissions (2):

PreventionGenetics, part of Exact Sciences
Classification: Likely benign for ROBO1-related condition. Last evaluated: 2024-10-20. Review status: criteria provided, single submitter. Criteria: ACMG Guidelines, 2015. Collection method: clinical testing. Allele origin: germline.
Comment: This variant is classified as likely benign based on ACMG/AMP sequence variant interpretation guidelines (Richards et al. 2015 PMID: 25741868, with internal and published modifications).

Labcorp Genetics (formerly Invitae), Labcorp
Classification: Likely benign. Last evaluated: 2024-02-15. Review status: criteria provided, single submitter. Criteria: Invitae Variant Classification Sherloc (09022015). Collection method: clinical testing. Allele origin: germline.

NM_002941.4(ROBO1):c.4805G>A (p.Ser1602Asn)

Gene: ROBO1 (roundabout guidance receptor 1; minus strand). Cytogenetic location: 3p12.3.
Variant type: single nucleotide variant.
Coding change: c.4805G>A on transcript NM_002941.4 (MANE Select); coding-DNA position 4805, G replaced by A.
Protein change: p.Ser1602Asn; replaces serine 1602 with asparagine.
Molecular consequence: missense variant.
Genome position (GRCh38, 1-based): chr3:78,600,249, C>T on the plus strand (G>A on the coding strand, the complement: ROBO1 is on the minus strand). VCF-style: chr3-78600249-C-T. GRCh37 (hg19) VCF-style: chr3-78649399-C-T.
Other names: c.4505G>A, p.Ser1502Asn (NM_001145845.2); c.4670G>A, p.Ser1557Asn (NM_133631.4); c.4805G>A (NM_002941.3); short protein forms S1602N, S1502N, S1557N.
Identifiers: ClinVar variation 3718407 (VCV003718407.3).